The following is an entry in ClinVar:

ClinVar aggregate classification (germline): Likely pathogenic (1 of 4 stars; one submission).

gnomAD v4.1: 2 of 1,611,440 alleles (0.00012%); highest among the groups gnomAD compares: African/African-American, 0.0027%; no homozygotes.

Submission:

Labcorp Genetics (formerly Invitae), Labcorp
Classification: Likely pathogenic. Last evaluated: 2025-06-11. Review status: criteria provided, single submitter. Criteria: Invitae Variant Classification Sherloc (09022015). Collection method: clinical testing. Allele origin: germline.
Comment: This sequence change affects an acceptor splice site in intron 12 of the LZTR1 gene. It is expected to disrupt RNA splicing. Variants that disrupt the donor or acceptor splice site typically lead to a loss of protein function (PMID: 16199547), and loss-of-function variants in LZTR1 are known to be pathogenic (PMID: 24362817, 25335493, 25480913, 25795793, 29469822, 30368668, 30442762, 30442766, 30481304, 30859559). This variant is present in population databases (rs371260400, gnomAD 0.007%). This variant has not been reported in the literature in individuals affected with LZTR1-related conditions. ClinVar contains an entry for this variant (Variation ID: 3636390). Algorithms developed to predict the effect of sequence changes on RNA splicing suggest that this variant may disrupt the consensus splice site. In summary, the currently available evidence indicates that the variant is pathogenic, but additional data are needed to prove that conclusively. Therefore, this variant has been classified as Likely Pathogenic.

Literature cited by the submitters: PubMed 16199547; PubMed 24362817; PubMed 25335493; PubMed 25480913; PubMed 25795793; PubMed 29469822; PubMed 30368668; PubMed 30442762; PubMed 30442766; PubMed 30481304; PubMed 30859559.

NM_006767.4(LZTR1):c.1354-1G>C

Gene: LZTR1 (leucine zipper like post translational regulator 1; plus strand). Cytogenetic location: 22q11.21.
Variant type: single nucleotide variant.
Coding change: c.1354-1G>C on transcript NM_006767.4 (MANE Select); the canonical splice acceptor site of the intron before coding-DNA position 1354, G replaced by C.
Molecular consequence: splice acceptor variant.
Genome position (GRCh38, 1-based): chr22:20,993,923, G>C. VCF-style: chr22-20993923-G-C. GRCh37 (hg19) VCF-style: chr22-21348212-G-C.
Identifiers: ClinVar variation 3636390 (VCV003636390.2).